The following is an entry in ClinVar:

ClinVar aggregate classification (germline): Pathogenic. Review status: reviewed by expert panel (3 of 4 stars). 41 submissions from 36 submitters: Pathogenic (1). 40 of the submissions do not count toward it. Last evaluated 2016-09-08.

Conditions:
Glioma susceptibility 3 (GLM3). Also called: Glioblastoma 3. Identifiers: Orphanet 182067, Orphanet 360, MedGen C2751641, MONDO:0013093, OMIM 613029.
Wilms tumor 1 (WT1). Also called: Wilms tumor, somatic. Identifiers: Orphanet 654, MedGen CN033288, MONDO:0008679, OMIM 194070.
Familial cancer of breast. Also called: Hereditary breast cancer; BREAST CANCER, FAMILIAL; hereditary breast carcinoma. Identifiers: Orphanet 227535, MedGen C0346153, MONDO:0016419, OMIM 114480. Disease mechanism: loss of function.
Prostate cancer. Also called: Malignant tumor of prostate. Identifiers: Orphanet 1331, MedGen C0376358, MONDO:0008315, HP:0012125.
Esophageal atresia/tracheoesophageal fistula. Also called: Tracheoesophageal fistula; TRACHEOESOPHAGEAL FISTULA WITH OR WITHOUT ESOPHAGEAL ATRESIA. Identifiers: Orphanet 1199, MedGen C0040588, MeSH D014138, MONDO:0008586, OMIM 189960, HP:0002575.
Breast-ovarian cancer, familial, susceptibility to, 2 (BROVCA2). Also called: BRCA2 Hereditary Breast and Ovarian Cancer. Identifiers: Orphanet 145, MedGen C2675520, MONDO:0012933, OMIM 612555. Disease mechanism: loss of function.
Fanconi anemia complementation group D1. Also called: BRCA2-Related Fanconi Anemia. Identifiers: Orphanet 319462, MedGen C1838457, MONDO:0011584, OMIM 605724.
Medulloblastoma (MDB). Also called: Medulloblastoma, somatic; MEDULLOBLASTOMA PREDISPOSITION SYNDROME. Identifiers: Orphanet 616, MedGen C0025149, MeSH D008527, MONDO:0007959, OMIM 155255, HP:0002885.
Pancreatic cancer, susceptibility to, 2. Identifiers: Orphanet 1333, MedGen C3150546, MONDO:0013235, OMIM 613347.
Inherited breast cancer and ovarian cancer.
BRCA2-related disorder. Also called: BRCA2-related condition; BRCA2-related disorders. Identifiers: MedGen CN239275.
Hereditary cancer-predisposing syndrome. Also called: Neoplastic Syndromes, Hereditary; Tumor predisposition; Hereditary Cancer Syndrome; Hereditary neoplastic syndrome. Identifiers: Orphanet 140162, MedGen C0027672, MeSH D009386, MONDO:0015356.
Breast and/or ovarian cancer. Identifiers: MedGen CN221562.
Hereditary breast ovarian cancer syndrome. Also called: Hereditary breast and/or ovarian cancer syndrome; Hereditary breast and ovarian cancer syndrome; Hereditary breast and ovarian cancer; Hereditary breast and ovarian cancer syndrome (HBOC); Breast and ovarian cancer; BRCA1- and BRCA2-Associated Hereditary Breast and Ovarian Cancer. Identifiers: Orphanet 145, MedGen C0677776, MeSH D061325, MONDO:0003582. Disease mechanism: loss of function.
Malignant tumor of breast. Also called: Malignant breast neoplasm; Cancer breast. Identifiers: MedGen C0006142, MONDO:0007254. Disease mechanism: loss of function.

Allele frequency attached by ClinVar (database versions not stated): gnomAD exomes below 0.00001 and 0.00001; TOPMed below 0.00001; ExAC 0.00001.
gnomAD v4.1: 4 of 1,613,850 alleles (0.00025%); highest among the groups gnomAD compares: Non-Finnish European, 0.00034%; no homozygotes.

Submissions 1 to 9 of 41:

Evidence-based Network for the Interpretation of Germline Mutant Alleles (ENIGMA)
Classification: Pathogenic for Breast-ovarian cancer, familial, susceptibility to, 2. Last evaluated: 2016-09-08. Review status: reviewed by expert panel. Criteria: ENIGMA BRCA1/2 Classification Criteria (2015). Collection method: curation. Allele origin: germline.
Comment: Variant allele predicted to encode a truncated non-functional protein.

Genetics Laboratory, Great Ormond Street Hospital NHS Foundation Trust, North Thames Genomic Laboratory Hub
Classification: Pathogenic for Inherited breast cancer and ovarian cancer. Last evaluated: 2026-07-11. Review status: criteria provided, single submitter. Criteria: CanVIG BRCA Gene Specific V1.22. Collection method: clinical testing. Allele origin: germline. Affected: yes. Not counted in ClinVar's aggregate classification.
Comment: PS4_moderate, PM2_supporting, PVS1_very-strong, PM5_strong, PP4_moderate

CeGaT Center for Human Genetics Tuebingen
Classification: Pathogenic. Last evaluated: 2026-07-01. Review status: criteria provided, single submitter. Criteria: CeGaT Center For Human Genetics Tuebingen Variant Classification Criteria Version 2. Collection method: clinical testing. Allele origin: germline. Affected: yes. Observed: 3 variant alleles. Not counted in ClinVar's aggregate classification.
Comment: BRCA2: PVS1, PS4, PM2

Labcorp Genetics (formerly Invitae), Labcorp
Classification: Pathogenic for Hereditary breast ovarian cancer syndrome. Last evaluated: 2026-02-02. Review status: criteria provided, single submitter. Criteria: Invitae Variant Classification Sherloc (09022015). Collection method: clinical testing. Allele origin: germline. Not counted in ClinVar's aggregate classification.
Comment: This sequence change creates a premature translational stop signal (p.Glu1953*) in the BRCA2 gene. It is expected to result in an absent or disrupted protein product. Loss-of-function variants in BRCA2 are known to be pathogenic (PMID: 20104584). This variant is present in population databases (rs80358814, gnomAD 0.003%). This premature translational stop signal has been observed in individual(s) with breast, ovarian, and prostate cancer (PMID: 9150172, 9792861, 15382066, 16683254, 23318356, 23621881, 28008555). It is commonly reported in individuals of French Canadian ancestry (PMID: 9150172, 9792861, 15382066, 16683254, 23318356, 23621881, 28008555). This variant is also known as 6085G>T. ClinVar contains an entry for this variant (Variation ID: 51952). For these reasons, this variant has been classified as Pathogenic.

Center for Genomic Medicine, Rigshospitalet, Copenhagen University Hospital
Classification: Pathogenic. Last evaluated: 2025-12-29. Review status: criteria provided, single submitter. Criteria: ACMG Guidelines, 2015. Collection method: clinical testing. Allele origin: germline. Not counted in ClinVar's aggregate classification.
Comment: Classification criteria: PVS1, PM5_strong

ARUP Laboratories, Molecular Genetics and Genomics, ARUP Laboratories
Classification: Pathogenic. Last evaluated: 2025-04-11. Review status: criteria provided, single submitter. Criteria: ARUP Molecular Germline Variant Investigation Process 2024. Collection method: clinical testing. Allele origin: germline. Not counted in ClinVar's aggregate classification.
Comment: The BRCA2 c.5857G>T; p.Glu1953Ter variant (rs80358814), also reported as 6085G>T, has been described in multiple individuals affected with hereditary breast and ovarian cancer (HBOC), including prostate and male breast cancers (Pritzlaff 2017, Serova-Sinilnikova 1997, Taherian 2013, Tonin 1998, van der Hout 2006) and is a common cause of HBOC in the French Canadian population (Ghadirian 2014, Oros 2004). It is reported as pathogenic by multiple laboratories in ClinVar (Variation ID: 51952) and is observed on only 2 alleles in the Genome Aggregation Database, indicating it is not a common polymorphism. This variant induces an early termination codon and is predicted to result in a truncated protein or mRNA subject to nonsense-mediated decay. Based on available information, this variant is considered pathogenic. REFERENCES Ghadirian P et al. Screening for BRCA1 and BRCA2 mutations among French-Canadian breast cancer cases attending an outpatient clinic in Montreal. Clin Genet. 2014 Jan;85(1):31-5. PMID: 23621881. Oros K et al. Significant proportion of breast and/or ovarian cancer families of French Canadian descent harbor 1 of 5 BRCA1 and BRCA2 mutations. Int J Cancer. 2004 Nov 10;112(3):411-9. PMID: 15382066. Pritzlaff M et al. Male breast cancer in a multi-gene panel testing cohort: insights and unexpected results. Breast Cancer Res Treat. 2017 Feb;161(3):575-586. PMID: 28008555. Serova-Sinilnikova O et al. BRCA2 mutations in hereditary breast and ovarian cancer in France. Am J Hum Genet. 1997 May;60(5):1236-9. PMID: 9150172. Taherian N et al. Familial prostate cancer: the damage done and lessons learnt. Nat Rev Urol. 2013 Feb;10(2):116-22. PMID: 23318356. Tonin P et al. Founder BRCA1 and BRCA2 mutations in French Canadian breast and ovarian cancer families. Am J Hum Genet. 1998 Nov;63(5):1341-51. PMID: 9792861. van der Hout A et al. A DGGE system for comprehensive mutation screening of BRCA1 and BRCA2: application in a Dutch cancer clinic setting. Hum Mutat. 2006 Jul;27(7):654-66. PMID: 16683254

Department of Clinical Genetics, Copenhagen University Hospital, Rigshospitalet
Classification: Pathogenic for Breast-ovarian cancer, familial, susceptibility to, 2. Last evaluated: 2024-05-27. Review status: criteria provided, single submitter. Criteria: ACMG Guidelines, 2015. Collection method: clinical testing. Allele origin: germline. Affected: yes. Not counted in ClinVar's aggregate classification.
Comment: PVS1; PM5_PTC_Strong

Ambry Genetics
Classification: Pathogenic for Hereditary cancer-predisposing syndrome. Last evaluated: 2024-05-08. Review status: criteria provided, single submitter. Criteria: Ambry Variant Classification Scheme 2023. Collection method: clinical testing. Allele origin: germline. Not counted in ClinVar's aggregate classification.
Comment: The p.E1953* pathogenic mutation (also known as c.5857G>T), located in coding exon 10 of the BRCA2 gene, results from a G to T substitution at nucleotide position 5857. This changes the amino acid from a glutamic acid to a stop codon within coding exon 10. This pathogenic mutation is considered a founder mutation in the French Canadian population and has been detected in numerous hereditary breast and/or ovarian cancer families to date (Phelan CM et al. Nat. Genet. 1996 May;13(1):120-2; Serova-Sinilnikova OM et al. Am. J. Hum. Genet. 1997 May;60(5):1236-9; Frank TS et al. J. Clin. Oncol. 1998 Jul;16(7):2417-25; Oros KK et al. Int. J. Cancer. 2004 Nov;112(3):411-9; Cavallone L et al. Fam. Cancer. 2010 Dec;9(4):507-17; Taherian N et al. Nat Rev Urol. 2013 Feb;10(2):116-22; Ghadirian P et al. Clin. Genet. 2014 Jan;85(1):31-5; Fernandes GC et al. Oncotarget. 2016 Dec;7(49):80465-80481). Of note, this alteration is also designated as 6085G>T in published literature. In addition to the clinical data presented in the literature, this alteration is expected to result in loss of function by premature protein truncation or nonsense-mediated mRNA decay. As such, this alteration is interpreted as a disease-causing mutation.

Blueprint Genetics
Classification: Pathogenic for BRCA2-related disorders. Last evaluated: 2024-03-12. Review status: criteria provided, single submitter. Criteria: ACMG Guidelines, 2015. Collection method: clinical testing. Allele origin: germline. Affected: yes. Observed: 4 variant alleles. Not counted in ClinVar's aggregate classification.

NM_000059.4(BRCA2):c.5857G>T (p.Glu1953Ter)

Gene: BRCA2 (BRCA2 DNA repair associated; plus strand). Cytogenetic location: 13q13.1.
Variant type: single nucleotide variant.
Coding change: c.5857G>T on transcript NM_000059.4 (MANE Select); coding-DNA position 5857, G replaced by T.
Protein change: p.Glu1953Ter; replaces glutamic acid 1953 with a stop codon.
Molecular consequence: nonsense.
Genome position (GRCh38, 1-based): chr13:32,340,212, G>T. VCF-style: chr13-32340212-G-T. GRCh37 (hg19) VCF-style: chr13-32914349-G-T.
Other names: p.E1953*:GAA>TAA; 6085G>T; short protein forms E1953*.
Identifiers: ClinVar variation 51952 (VCV000051952.92), dbSNP rs80358814, ClinGen allele CA023311.
Genomic context (GRCh38, chr13:32,340,212, plus strand): 5'-AACCAAAATATGTCTGGATTGGAGAAAGTTTCTAAAATATCACCTTGTGATGTTAGTTTG[G>T]AAACTTCAGATATATGTAAATGTAGTATAGGGAAGCTTCATAAGTCAGTCTCATCTGCAA-3'